The following is an entry in ClinVar:

NM_001114753.3(ENG):c.-70del

Gene: ENG (endoglin; minus strand). Cytogenetic location: 9q34.11.
Variant type: Deletion.
Coding change: c.-70del on transcript NM_001114753.3 (MANE Select); 70 bases upstream of the start codon, one base deleted (C; older notation c.-70delC).
Molecular consequence: 5 prime UTR variant.
Genome position (GRCh38, 1-based): chr9:127,854,425, G deleted on the plus strand (C on the coding strand, the reverse complement: ENG is on the minus strand); the first of 4 consecutive G bases (chr9:127,854,425-127,854,428); deleting any one gives the same sequence. VCF-style (leftmost placement, unchanged base first): chr9-127854424-CG-C. GRCh37 (hg19) VCF-style: chr9-130616703-CG-C.
Other names: c.-73delC (NM_000118.4, NM_001406715.1).
Identifiers: ClinVar variation 365099 (VCV000365099.10), dbSNP rs886063477, ClinGen allele CA10632439.

ClinVar aggregate classification (germline): Uncertain significance (1 of 4 stars; one submission).

Conditions:
Hereditary hemorrhagic telangiectasia (HHT). Also called: ORW DISEASE; Osler Weber Rendu syndrome; OSLER-RENDU-WEBER DISEASE; Osler hemorrhagic telangiectasia syndrome. Identifiers: Orphanet 774, MedGen C0039445, MONDO:0019180. Disease mechanism: loss of function.

Submission:

Labcorp Genetics (formerly Invitae), Labcorp
Classification: Uncertain significance for Hereditary hemorrhagic telangiectasia. Last evaluated: 2025-08-30. Review status: criteria provided, single submitter. Criteria: Invitae Variant Classification Sherloc (09022015). Collection method: clinical testing. Allele origin: germline.
Comment: This variant occurs in a non-coding region of the ENG gene. It does not change the encoded amino acid sequence of the ENG protein. This variant is not present in population databases (gnomAD no frequency). This variant has not been reported in the literature in individuals affected with ENG-related conditions. ClinVar contains an entry for this variant (Variation ID: 365099). Experimental studies and prediction algorithms are not available or were not evaluated, and the functional significance of this variant is currently unknown. In summary, the available evidence is currently insufficient to determine the role of this variant in disease. Therefore, it has been classified as a Variant of Uncertain Significance.